The following is an entry in ClinVar:

NM_001164508.2(NEB):c.5493_5494del (p.Ile1832fs)

Gene: NEB (nebulin; minus strand). Cytogenetic location: 2q23.3.
Variant type: Microsatellite.
Coding change: c.5493_5494del on transcript NM_001164508.2 (MANE Select); coding-DNA positions 5493 to 5494, 2 bases deleted (CA; older notation c.5493_5494delCA).
Protein change: p.Ile1832fs; shifts the reading frame from isoleucine 1832.
Molecular consequence: frameshift variant.
Genome position (GRCh38, 1-based): chr2:151,663,817-151,663,818, TG deleted on the plus strand (CA on the coding strand, the reverse complement: NEB is on the minus strand); deleting any 2 consecutive bases within chr2:151,663,817-151,663,821 gives the same sequence; the c. name uses the placement nearest the transcript's 3' end. VCF-style (leftmost placement, unchanged base first): chr2-151663816-ATG-A. GRCh37 (hg19) VCF-style: chr2-152520330-ATG-A.
Other names: c.5493_5494del, p.Ile1832fs (NM_001164507.2, NM_001271208.2, NM_004543.5); short protein forms I1832fs.
Identifiers: ClinVar variation 1397061 (VCV001397061.6), dbSNP rs2154172818, ClinGen allele CA2580614533.

ClinVar aggregate classification (germline): Pathogenic (1 of 4 stars; one submission).

Conditions:
Nemaline myopathy 2 (NEM2). Also called: Nemaline myopathy 2, autosomal recessive. Identifiers: MedGen C1850569, MONDO:0009725, OMIM 256030.

Submission:

Labcorp Genetics (formerly Invitae), Labcorp
Classification: Pathogenic for Nemaline myopathy 2. Last evaluated: 2022-04-20. Review status: criteria provided, single submitter. Criteria: Invitae Variant Classification Sherloc (09022015). Collection method: clinical testing. Allele origin: germline.
Comment: For these reasons, this variant has been classified as Pathogenic. This variant has not been reported in the literature in individuals affected with NEB-related conditions. This variant is not present in population databases (gnomAD no frequency). This sequence change creates a premature translational stop signal (p.Ile1832Trpfs*8) in the NEB gene. It is expected to result in an absent or disrupted protein product. Loss-of-function variants in NEB are known to be pathogenic (PMID: 25205138).

Literature cited by the submitters: PubMed 25205138.